The following is an entry in ClinVar:

ClinVar aggregate classification (germline): Uncertain significance (1 of 4 stars; one submission).

Conditions:
Hereditary cancer-predisposing syndrome. Also called: Neoplastic Syndromes, Hereditary; Tumor predisposition; Hereditary neoplastic syndrome; Hereditary Cancer Syndrome. Identifiers: Orphanet 140162, MedGen C0027672, MeSH D009386, MONDO:0015356.

Submission:

Ambry Genetics
Classification: Uncertain significance for Hereditary cancer-predisposing syndrome. Last evaluated: 2024-04-12. Review status: criteria provided, single submitter. Criteria: Ambry Variant Classification Scheme 2023. Collection method: clinical testing. Allele origin: germline.
Comment: The p.I1193N variant (also known as c.3578T>A), located in coding exon 25 of the SMARCA4 gene, results from a T to A substitution at nucleotide position 3578. The isoleucine at codon 1193 is replaced by asparagine, an amino acid with dissimilar properties. This amino acid position is conserved. In addition, this alteration is predicted to be deleterious by in silico analysis. Based on the available evidence, the clinical significance of this variant remains unclear.

NM_003072.5(SMARCA4):c.3578T>A (p.Ile1193Asn)

Gene: SMARCA4 (SWI/SNF related BAF chromatin remodeling complex subunit ATPase 4; plus strand). Cytogenetic location: 19p13.2.
Variant type: single nucleotide variant.
Coding change: c.3578T>A on transcript NM_003072.5 (MANE Select); coding-DNA position 3578, T replaced by A.
Protein change: p.Ile1193Asn; replaces isoleucine 1193 with asparagine.
Molecular consequence: missense variant. On other transcripts: non-coding transcript variant (1).
Genome position (GRCh38, 1-based): chr19:11,033,321, T>A. VCF-style: chr19-11033321-T-A. GRCh37 (hg19) VCF-style: chr19-11143997-T-A.
Other names: c.3578T>A, p.Ile1193Asn (NM_001128847.4, NM_001128848.2, NM_001128849.3 and 6 more transcripts); short protein forms I1193N.
Identifiers: ClinVar variation 3320718 (VCV003320718.1).